The following is an entry in ClinVar:

ClinVar aggregate classification (germline): Uncertain significance (1 of 4 stars; one submission).

Allele frequency attached by ClinVar (database versions not stated): gnomAD exomes below 0.00001.
gnomAD v4.1: 1 of 1,530,400 alleles (0.000065%); highest among the groups gnomAD compares: Non-Finnish European, 0.000088%; no homozygotes.

Submission:

Labcorp Genetics (formerly Invitae), Labcorp
Classification: Uncertain significance. Last evaluated: 2022-10-05. Review status: criteria provided, single submitter. Criteria: Invitae Variant Classification Sherloc (09022015). Collection method: clinical testing. Allele origin: germline.
Comment: Algorithms developed to predict the effect of missense changes on protein structure and function (SIFT, PolyPhen-2, Align-GVGD) all suggest that this variant is likely to be tolerated. In summary, the available evidence is currently insufficient to determine the role of this variant in disease. Therefore, it has been classified as a Variant of Uncertain Significance. ClinVar contains an entry for this variant (Variation ID: 1478620). This variant has not been reported in the literature in individuals affected with POLE2-related conditions. This variant is not present in population databases (gnomAD no frequency). This sequence change replaces proline, which is neutral and non-polar, with serine, which is neutral and polar, at codon 3 of the POLE2 protein (p.Pro3Ser).

NM_002692.4(POLE2):c.7C>T (p.Pro3Ser)

Gene: POLE2 (DNA polymerase epsilon 2, accessory subunit; minus strand). Cytogenetic location: 14q21.3.
Variant type: single nucleotide variant.
Coding change: c.7C>T on transcript NM_002692.4 (MANE Select); coding-DNA position 7, C replaced by T.
Protein change: p.Pro3Ser; replaces proline 3 with serine.
Molecular consequence: missense variant. On other transcripts: 5 prime UTR variant (1).
Genome position (GRCh38, 1-based): chr14:49,688,197, G>A on the plus strand (C>T on the coding strand, the complement: POLE2 is on the minus strand). VCF-style: chr14-49688197-G-A. GRCh37 (hg19) VCF-style: chr14-50154915-G-A.
Other names: c.7C>T, p.Pro3Ser (NM_001197330.2, NM_001197331.3, NM_001348384.2); c.-229C>T (NM_001348385.2); short protein forms P3S.
Identifiers: ClinVar variation 1478620 (VCV001478620.8), dbSNP rs772722364, ClinGen allele CA389618183.